The following is an entry in ClinVar:

ClinVar aggregate classification (germline): Conflicting classifications of pathogenicity. Review status: criteria provided, conflicting classifications (1 of 4 stars). 8 submissions from 8 submitters: Uncertain significance (6); Likely benign (2). Last evaluated 2025-05-01.

Conditions:
Autosomal recessive limb-girdle muscular dystrophy type 2N. Also called: MUSCULAR DYSTROPHY-DYSTROGLYCANOPATHY, LIMB-GIRDLE, POMT2-RELATED; Muscular dystrophy-dystroglycanopathy (limb-girdle), type C, 2. Identifiers: Orphanet 206559, MedGen C3150418, MONDO:0013162, OMIM 613158.
Muscular dystrophy-dystroglycanopathy (congenital with brain and eye anomalies), type A1 (MDDGA1). Also called: WALKER-WARBURG SYNDROME OR MUSCLE-EYE-BRAIN DISEASE, POMT1-RELATED; Hydrocephalus, agyria and retinal dysplasia; Hard +/- E syndrome; Warburg syndrome; Chemke syndrome; Pagon syndrome. Identifiers: Orphanet 588, Orphanet 899, MedGen C4284790, MONDO:0009364, OMIM 236670.
Muscular dystrophy-dystroglycanopathy (congenital with brain and eye anomalies), type A2. Also called: MUSCULAR DYSTROPHY-DYSTROGLYCANOPATHY (CONGENITAL WITH BRAIN AND EYE ANOMALIES), TYPE A, 2; WALKER-WARBURG SYNDROME OR MUSCLE-EYE-BRAIN DISEASE, POMT2-RELATED. Identifiers: Orphanet 588, Orphanet 899, MedGen C3150411, MONDO:0013154, OMIM 613150.
Muscular dystrophy-dystroglycanopathy (congenital with impaired intellectual development), type B, 2. Also called: MUSCULAR DYSTROPHY, CONGENITAL, POMT2-RELATED; Muscular dystrophy-dystroglycanopathy (congenital with intellectual disability), type B2. Identifiers: MedGen C3150416, MONDO:0013160, OMIM 613156.

Allele frequency attached by ClinVar (database versions not stated): ExAC 0.00036; ESP Exome Variant Server 0.00038; 1000 Genomes Project 30x 0.00047; gnomAD exomes 0.00049 and 0.00099; 1000 Genomes Project 0.00060; gnomAD 0.00061 and 0.00062; TOPMed 0.00078.
gnomAD v4.1: 1,581 of 1,613,240 alleles (0.098%); highest among the groups gnomAD compares: Non-Finnish European, 0.12%; 2 homozygotes.

Submissions (8):

CeGaT Center for Human Genetics Tuebingen
Classification: Likely benign. Last evaluated: 2025-05-01. Review status: criteria provided, single submitter. Criteria: CeGaT Center For Human Genetics Tuebingen Variant Classification Criteria Version 2. Collection method: clinical testing. Allele origin: germline. Affected: yes. Observed: 1 variant allele.
Comment: POMT2: PM5, BS2

Labcorp Genetics (formerly Invitae), Labcorp
Classification: Uncertain significance for Muscular dystrophy-dystroglycanopathy (congenital with impaired intellectual development), type B, 2; Muscular dystrophy-dystroglycanopathy (congenital with brain and eye anomalies), type A2; Autosomal recessive limb-girdle muscular dystrophy type 2N. Last evaluated: 2025-01-30. Review status: criteria provided, single submitter. Criteria: Invitae Variant Classification Sherloc (09022015). Collection method: clinical testing. Allele origin: germline.
Comment: This sequence change replaces valine, which is neutral and non-polar, with isoleucine, which is neutral and non-polar, at codon 635 of the POMT2 protein (p.Val635Ile). This variant is present in population databases (rs142299878, gnomAD 0.08%), and has an allele count higher than expected for a pathogenic variant. This missense change has been observed in individual(s) with type II lissencephaly (PMID: 17559086). ClinVar contains an entry for this variant (Variation ID: 194965). Invitae Evidence Modeling of protein sequence and biophysical properties (such as structural, functional, and spatial information, amino acid conservation, physicochemical variation, residue mobility, and thermodynamic stability) indicates that this missense variant is not expected to disrupt POMT2 protein function with a negative predictive value of 80%. In summary, the available evidence is currently insufficient to determine the role of this variant in disease. Therefore, it has been classified as a Variant of Uncertain Significance.

Mayo Clinic Laboratories, Mayo Clinic
Classification: Uncertain significance. Last evaluated: 2023-06-13. Review status: criteria provided, single submitter. Criteria: ACMG Guidelines, 2015. Collection method: clinical testing. Allele origin: germline. Observed: 1 variant allele.
Comment: BP4

Athena Diagnostics
Classification: Likely benign. Last evaluated: 2021-03-31. Review status: criteria provided, single submitter. Criteria: Athena Diagnostics criteria. Collection method: clinical testing. Allele origin: unknown.

GeneDx
Classification: Uncertain significance. Last evaluated: 2019-06-19. Review status: criteria provided, single submitter. Criteria: GeneDx Variant Classification Process June 2021. Collection method: clinical testing. Allele origin: germline. Affected: yes.
Comment: Reported in a fetus with lissencephaly without an identified second POMT2 variant (Bouchet et al., 2007); In silico analysis, which includes protein predictors and evolutionary conservation, supports that this variant does not alter protein structure/function; This variant is associated with the following publications: (PMID: 17559086, 30564623)

Fulgent Genetics
Classification: Uncertain significance for Muscular dystrophy-dystroglycanopathy (congenital with brain and eye anomalies), type A1; Muscular dystrophy-dystroglycanopathy (congenital with brain and eye anomalies), type A2; Muscular dystrophy-dystroglycanopathy (congenital with impaired intellectual development), type B, 2; Autosomal recessive limb-girdle muscular dystrophy type 2N. Last evaluated: 2018-10-31. Review status: criteria provided, single submitter. Criteria: ACMG Guidelines, 2015. Collection method: clinical testing. Allele origin: unknown.

Eurofins Ntd Llc (ga)
Classification: Uncertain significance. Last evaluated: 2018-04-18. Review status: criteria provided, single submitter. Criteria: EGL ClinVar v180209 classification definitions. Collection method: clinical testing. Allele origin: germline. Observed: 16 variant alleles, 16 heterozygotes.

Genetic Services Laboratory, University of Chicago
Classification: Uncertain significance. Last evaluated: 2016-06-01. Review status: criteria provided, single submitter. Criteria: ACMG Guidelines, 2015. Collection method: clinical testing. Allele origin: germline. Affected: no.

Literature cited by the submitters: PubMed 17559086 (cited by 4 submitters).

NM_013382.7(POMT2):c.1903G>A (p.Val635Ile)

Gene: POMT2 (protein O-mannosyltransferase 2; minus strand). Cytogenetic location: 14q24.3.
Variant type: single nucleotide variant.
Coding change: c.1903G>A on transcript NM_013382.7 (MANE Select); coding-DNA position 1903, G replaced by A.
Protein change: p.Val635Ile; replaces valine 635 with isoleucine.
Molecular consequence: missense variant.
Genome position (GRCh38, 1-based): chr14:77,278,858, C>T on the plus strand (G>A on the coding strand, the complement: POMT2 is on the minus strand). VCF-style: chr14-77278858-C-T. GRCh37 (hg19) VCF-style: chr14-77745201-C-T.
Other names: p.Val635Ile; short protein forms V635I.
Identifiers: ClinVar variation 194965 (VCV000194965.29), dbSNP rs142299878, ClinGen allele CA241216.